The following is an entry in ClinVar:

NM_001171.6(ABCC6):c.3289C>A (p.Leu1097Ile)

Gene: ABCC6 (ATP binding cassette subfamily C member 6; minus strand). Cytogenetic location: 16p13.11.
Variant type: single nucleotide variant.
Coding change: c.3289C>A on transcript NM_001171.6 (MANE Select); coding-DNA position 3289, C replaced by A.
Protein change: p.Leu1097Ile; replaces leucine 1097 with isoleucine.
Molecular consequence: missense variant. On other transcripts: non-coding transcript variant (1).
Genome position (GRCh38, 1-based): chr16:16,165,640, G>T on the plus strand (C>A on the coding strand, the complement: ABCC6 is on the minus strand). VCF-style: chr16-16165640-G-T. GRCh37 (hg19) VCF-style: chr16-16259497-G-T.
Other names: c.2947C>A, p.Leu983Ile (NM_001351800.1); short protein forms L1097I, L983I.
Identifiers: ClinVar variation 679625 (VCV000679625.19), dbSNP rs60707953, ClinGen allele CA7925642.
Genomic context (GRCh38, chr16:16,165,640, plus strand): 5'-TTGACCTCAGCCGGTCCCGGAAGCCTCCCTGACCTCTCCGTACCTGAAACCCAGCGTAGA[G>T]GAGAAACAGTGGCAGGATGGCCACAGTGGCCAGTGGGGTAGCCACTGCCACCACCAGGCT-3'
Protein context (NP_001162.5, residues 1087-1107): ATVAILPLFL[Leu1097Ile]YAGFQSLYVV

ClinVar aggregate classification (germline): Benign/Likely benign. Review status: criteria provided, multiple submitters, no conflicts (2 of 4 stars). 10 submissions from 8 submitters: Benign (4); Likely benign (4). 2 of the submissions do not count toward it. Last evaluated 2026-02-02.

Conditions:
Pseudoxanthoma elasticum, forme fruste. Also called: Pseudoxanthoma Elasticum, Incomplete; PSEUDOXANTHOMA ELASTICUM, HETEROZYGOUS. Identifiers: Orphanet 758, MedGen C1867450, MONDO:0008333, OMIM 177850.
Arterial calcification, generalized, of infancy, 2. Identifiers: Orphanet 51608, MedGen C3276161, MONDO:0013768, OMIM 614473.
Autosomal recessive inherited pseudoxanthoma elasticum (PXE). Identifiers: Orphanet 758, MedGen CN032334, MONDO:0009925, OMIM 264800.

Allele frequency attached by ClinVar (database versions not stated): 1000 Genomes Project 0.00759; ESP Exome Variant Server 0.00777; gnomAD 0.00799 and 0.00849; TOPMed 0.00935; 1000 Genomes Project 30x 0.00968.
gnomAD v4.1: 3,388 of 1,613,216 alleles (0.21%); highest among the groups gnomAD compares: African/African-American, 2.5%; 37 homozygotes.

Submissions (10):

Labcorp Genetics (formerly Invitae), Labcorp
Classification: Benign. Last evaluated: 2026-02-02. Review status: criteria provided, single submitter. Criteria: Invitae Variant Classification Sherloc (09022015). Collection method: clinical testing. Allele origin: germline.

Genomic Medicine Center of Excellence, King Faisal Specialist Hospital and Research Centre
Classification: Likely benign. Last evaluated: 2025-08-18. Review status: criteria provided, single submitter. Criteria: ACMG Guidelines, 2015. Collection method: clinical testing. Allele origin: germline.

Genome-Nilou Lab
Classification: Benign for Arterial calcification, generalized, of infancy, 2. Last evaluated: 2021-12-05. Review status: criteria provided, single submitter. Criteria: ACMG Guidelines, 2015. Collection method: clinical testing. Allele origin: germline. Affected: no.

Genome-Nilou Lab
Classification: Benign for Autosomal recessive inherited pseudoxanthoma elasticum. Last evaluated: 2021-12-05. Review status: criteria provided, single submitter. Criteria: ACMG Guidelines, 2015. Collection method: clinical testing. Allele origin: germline. Affected: no.

Genome-Nilou Lab
Classification: Benign for Pseudoxanthoma elasticum, forme fruste. Last evaluated: 2021-12-05. Review status: criteria provided, single submitter. Criteria: ACMG Guidelines, 2015. Collection method: clinical testing. Allele origin: germline. Affected: no.

Fulgent Genetics
Classification: Likely benign for Pseudoxanthoma elasticum, forme fruste; Autosomal recessive inherited pseudoxanthoma elasticum; Arterial calcification, generalized, of infancy, 2. Last evaluated: 2021-07-19. Review status: criteria provided, single submitter. Criteria: ACMG Guidelines, 2015. Collection method: clinical testing. Allele origin: unknown.

GeneDx
Classification: Likely benign. Last evaluated: 2018-06-13. Review status: criteria provided, single submitter. Criteria: GeneDx Variant Classification (06012015). Collection method: clinical testing. Allele origin: germline. Affected: yes.
Comment: This variant is considered likely benign or benign based on one or more of the following criteria: it is a conservative change, it occurs at a poorly conserved position in the protein, it is predicted to be benign by multiple in silico algorithms, and/or has population frequency not consistent with disease.

Breakthrough Genomics
Classification: Likely benign. Review status: criteria provided, single submitter. Criteria: ACMG Guidelines, 2015. Collection method: not provided. Allele origin: germline. Inheritance: Autosomal recessive inheritance. Affected: yes.

Clinical Genetics, Academic Medical Center
Classification: Benign. Review status: no assertion criteria provided. Collection method: clinical testing. Allele origin: germline. Affected: yes. Study: VKGL Data-share Consensus. Not counted in ClinVar's aggregate classification.

Laboratory of Diagnostic Genome Analysis, Leiden University Medical Center (LUMC)
Classification: Likely benign. Review status: no assertion criteria provided. Collection method: clinical testing. Allele origin: germline. Affected: yes. Study: VKGL Data-share Consensus. Not counted in ClinVar's aggregate classification.